The following is an entry in ClinVar:

ClinVar aggregate classification (germline): Benign/Likely benign. Review status: criteria provided, multiple submitters, no conflicts (2 of 4 stars). 3 submissions from 3 submitters: Benign (1); Likely benign (2). Last evaluated 2026-05-18.

Conditions:
Neurofibromatosis, type 1 (NF1). Also called: Peripheral type neurofibromatosis; NEUROFIBROMATOSIS, TYPE I, SOMATIC; VON RECKLINGHAUSEN DISEASE; Neurofibromatosis, type I. Identifiers: Orphanet 636, MedGen C0027831, MONDO:0018975, OMIM 162200. Disease mechanism: loss of function.
Cardiovascular phenotype. Identifiers: MedGen CN230736.
Hereditary cancer-predisposing syndrome. Also called: Neoplastic Syndromes, Hereditary; Tumor predisposition; Hereditary Cancer Syndrome; Hereditary neoplastic syndrome. Identifiers: Orphanet 140162, MedGen C0027672, MeSH D009386, MONDO:0015356.

Allele frequency attached by ClinVar (database versions not stated): gnomAD exomes below 0.00001.
gnomAD v4.1: 6 of 1,610,712 alleles (0.00037%); highest among the groups gnomAD compares: South Asian, 0.0033%; no homozygotes.

Submissions (3):

Myriad Genetics, Inc.
Classification: Benign for Neurofibromatosis, type 1. Last evaluated: 2026-05-18. Review status: criteria provided, single submitter. Criteria: Myriad Autosomal Dominant, Autosomal Recessive and X-Linked Classification Criteria (2023). Collection method: clinical testing. Allele origin: unknown.
Comment: This variant is considered benign. This variant is a silent/synonymous amino acid change and it is not expected to impact splicing.

Labcorp Genetics (formerly Invitae), Labcorp
Classification: Likely benign for Neurofibromatosis, type 1. Last evaluated: 2025-09-13. Review status: criteria provided, single submitter. Criteria: Invitae Variant Classification Sherloc (09022015). Collection method: clinical testing. Allele origin: germline.

Ambry Genetics
Classification: Likely benign for Cardiovascular phenotype; Hereditary cancer-predisposing syndrome. Last evaluated: 2020-04-13. Review status: criteria provided, single submitter. Criteria: Ambry Variant Classification Scheme 2023. Collection method: clinical testing. Allele origin: germline.

NM_001042492.3(NF1):c.3009G>A (p.Gly1003=)

Gene: NF1 (neurofibromin 1; plus strand). Cytogenetic location: 17q11.2.
Variant type: single nucleotide variant.
Coding change: c.3009G>A on transcript NM_001042492.3 (MANE Select); coding-DNA position 3009, G replaced by A.
Protein change: p.Gly1003=; no amino-acid change (glycine 1003 retained).
Molecular consequence: synonymous variant.
Genome position (GRCh38, 1-based): chr17:31,230,278, G>A. VCF-style: chr17-31230278-G-A. GRCh37 (hg19) VCF-style: chr17-29557296-G-A.
Other names: c.3009G>A, p.Gly1003= (NM_000267.4).
Identifiers: ClinVar variation 1155313 (VCV001155313.10), dbSNP rs780895334, ClinGen allele CA8486075.